The following is an entry in ClinVar:

NM_000317.3(PTS):c.164-672C>T

Gene: PTS (6-pyruvoyltetrahydropterin synthase; plus strand). Cytogenetic location: 11q23.1.
Variant type: single nucleotide variant.
Coding change: c.164-672C>T on transcript NM_000317.3 (MANE Select); 672 bases into the intron before coding-DNA position 164, C replaced by T.
Molecular consequence: intron variant.
Genome position (GRCh38, 1-based): chr11:112,229,536, C>T. VCF-style: chr11-112229536-C-T. GRCh37 (hg19) VCF-style: chr11-112100259-C-T.
Identifiers: ClinVar variation 1310415 (VCV001310415.6), dbSNP rs1030849527, ClinGen allele CA228598206.

ClinVar aggregate classification (germline): Uncertain significance. Review status: criteria provided, multiple submitters, no conflicts (2 of 4 stars). 2 submissions from 2 submitters: Uncertain significance (2). Last evaluated 2020-06-02.

Conditions:
6-Pyruvoyl-tetrahydrobiopterin synthase deficiency. Also called: PTS DEFICIENCY; 6-Pyruvoyltetrahydropterin Synthase Deficiency; Hyperphenylalanemia, BH4-deficient, A; Hyperphenylalaninemia due to 6-pyruvoyl-tetrahydropterin synthase deficiency; BH4-deficient hyperphenylalaninemia A; PTS-Related Tetrahydrobiopterin Deficiency. Identifiers: Orphanet 13, Orphanet 238583, MedGen C0878676, MONDO:0009863, OMIM 261640.

Allele frequency attached by ClinVar (database versions not stated): TOPMed 0.00003; gnomAD 0.00004 and 0.00003.

Submissions (2):

GeneDx
Classification: Uncertain significance. Last evaluated: 2020-06-02. Review status: criteria provided, single submitter. Criteria: GeneDx Variant Classification Process June 2021. Collection method: clinical testing. Allele origin: germline. Affected: yes.
Comment: In silico analysis supports that this variant does not alter splicing; This variant is associated with the following publications: (PMID: 30626930, 32651154)

Labcorp Genetics (formerly Invitae), Labcorp
Classification: Uncertain significance for 6-Pyruvoyl-tetrahydrobiopterin synthase deficiency. Last evaluated: 2019-09-12. Review status: criteria provided, single submitter. Criteria: Invitae Variant Classification Sherloc (09022015). Collection method: clinical testing. Allele origin: germline.
Comment: This sequence change falls in intron 2 of the PTS gene. It does not directly change the encoded amino acid sequence of the PTS protein. This variant is present in population databases (rs1030849527, gnomAD 0.02%). This variant has been observed in an individual affected with biopterin-deficient hyperphenylalaninemia (PMID: 30626930). Algorithms developed to predict the effect of sequence changes on RNA splicing suggest that this variant may create or strengthen a splice site, but this prediction has not been confirmed by published transcriptional studies. In summary, the available evidence is currently insufficient to determine the role of this variant in disease. Therefore, it has been classified as a Variant of Uncertain Significance.

Literature cited by the submitters: PubMed 30626930 (cited by Labcorp Genetics (formerly Invitae), Labcorp).